The following is an entry in ClinVar:

NM_002878.4(RAD51D):c.713C>G (p.Ala238Gly)

Genes: RAD51D (RAD51 paralog D; minus strand), RAD51L3-RFFL (RAD51L3-RFFL readthrough; minus strand). Cytogenetic location: 17q12.
Variant type: single nucleotide variant.
Coding change: c.713C>G on transcript NM_002878.4 (MANE Select); coding-DNA position 713, C replaced by G.
Protein change: p.Ala238Gly; replaces alanine 238 with glycine.
Molecular consequence: missense variant. On other transcripts: non-coding transcript variant (3).
Genome position (GRCh38, 1-based): chr17:35,103,279, G>C on the plus strand (C>G on the coding strand, the complement: RAD51D is on the minus strand). VCF-style: chr17-35103279-G-C. GRCh37 (hg19) VCF-style: chr17-33430298-G-C.
Other names: c.773C>G, p.Ala258Gly (NM_001142571.2); c.377C>G, p.Ala126Gly (NM_133629.3); short protein forms A238G, A258G, A126G.
Identifiers: ClinVar variation 655410 (VCV000655410.5), dbSNP rs1567726199, ClinGen allele CA399087554.
Genomic context (GRCh38, chr17:35,103,279, plus strand): 5'-GAAATCAAGTTCATTGGCCAAGCCTGCTTCCTCACCACCACTGCCATGCCAAGGTCCCGG[G>C]CCAGGGTCTTCAGCTCTCGGGCCAGCTGCATCATCAAGGCCAAGCCTGCAGGAGGAGGAG-3'
Protein context (NP_002869.3, residues 228-248): MQLARELKTL[Ala238Gly]RDLGMAVVVT

ClinVar aggregate classification (germline): Uncertain significance (1 of 4 stars; one submission).

Conditions:
Breast-ovarian cancer, familial, susceptibility to, 4. Identifiers: Orphanet 145, MedGen C3280345, MONDO:0013669, OMIM 614291.

Submission:

Labcorp Genetics (formerly Invitae), Labcorp
Classification: Uncertain significance for Breast-ovarian cancer, familial, susceptibility to, 4. Last evaluated: 2022-07-19. Review status: criteria provided, single submitter. Criteria: Invitae Variant Classification Sherloc (09022015). Collection method: clinical testing. Allele origin: germline.
Comment: In summary, the available evidence is currently insufficient to determine the role of this variant in disease. Therefore, it has been classified as a Variant of Uncertain Significance. Algorithms developed to predict the effect of missense changes on protein structure and function (SIFT, PolyPhen-2, Align-GVGD) all suggest that this variant is likely to be disruptive. ClinVar contains an entry for this variant (Variation ID: 655410). This variant has not been reported in the literature in individuals affected with RAD51D-related conditions. This variant is not present in population databases (gnomAD no frequency). This sequence change replaces alanine, which is neutral and non-polar, with glycine, which is neutral and non-polar, at codon 238 of the RAD51D protein (p.Ala238Gly).